The following is an entry in ClinVar:

ClinVar aggregate classification (germline): Uncertain significance (1 of 4 stars; one submission).

Allele frequency attached by ClinVar (database versions not stated): gnomAD exomes below 0.00001; ExAC 0.00002.
gnomAD v4.1: 6 of 1,614,122 alleles (0.00037%); highest among the groups gnomAD compares: Admixed American, 0.0017%; no homozygotes.

Submission:

Labcorp Genetics (formerly Invitae), Labcorp
Classification: Uncertain significance. Last evaluated: 2024-12-09. Review status: criteria provided, single submitter. Criteria: Invitae Variant Classification Sherloc (09022015). Collection method: clinical testing. Allele origin: germline.
Comment: This sequence change replaces alanine, which is neutral and non-polar, with valine, which is neutral and non-polar, at codon 1054 of the ARFGEF2 protein (p.Ala1054Val). This variant is present in population databases (rs772292207, gnomAD 0.004%). This variant has not been reported in the literature in individuals affected with ARFGEF2-related conditions. ClinVar contains an entry for this variant (Variation ID: 2040409). An algorithm developed to predict the effect of missense changes on protein structure and function (PolyPhen-2) suggests that this variant is likely to be tolerated. In summary, the available evidence is currently insufficient to determine the role of this variant in disease. Therefore, it has been classified as a Variant of Uncertain Significance.

NM_006420.3(ARFGEF2):c.3161C>T (p.Ala1054Val)

Gene: ARFGEF2 (ARF guanine nucleotide exchange factor 2; plus strand). Cytogenetic location: 20q13.13.
Variant type: single nucleotide variant.
Coding change: c.3161C>T on transcript NM_006420.3 (MANE Select); coding-DNA position 3161, C replaced by T.
Protein change: p.Ala1054Val; replaces alanine 1054 with valine.
Molecular consequence: missense variant.
Genome position (GRCh38, 1-based): chr20:48,995,822, C>T. VCF-style: chr20-48995822-C-T. GRCh37 (hg19) VCF-style: chr20-47612359-C-T.
Other names: c.3158C>T, p.Ala1053Val (NM_001410846.1); short protein forms A1054V, A1053V.
Identifiers: ClinVar variation 2040409 (VCV002040409.4), dbSNP rs772292207, ClinGen allele CA9898849.